The following is an entry in ClinVar:

ClinVar aggregate classification (germline): Benign (1 of 4 stars; one submission).

Conditions:
Familial adenomatous polyposis 1 (FAP1). Also called: POLYPOSIS, ADENOMATOUS INTESTINAL; FAMILIAL ADENOMATOUS POLYPOSIS 1, ATTENUATED. Identifiers: MedGen C2713442, MONDO:0021056, OMIM 175100. Disease mechanism: loss of function.

Submission:

Myriad Genetics, Inc.
Classification: Benign for Familial adenomatous polyposis 1. Last evaluated: 2024-03-08. Review status: criteria provided, single submitter. Criteria: Myriad Autosomal Dominant, Autosomal Recessive and X-Linked Classification Criteria (2023). Collection method: clinical testing. Allele origin: unknown.
Comment: This variant is considered benign. This variant is a silent/synonymous amino acid change and it is not expected to impact splicing.

NM_000038.6(APC):c.2046A>G (p.Gly682=)

Gene: APC (APC regulator of Wnt signaling pathway; plus strand). Cytogenetic location: 5q22.2.
Variant type: single nucleotide variant.
Coding change: c.2046A>G on transcript NM_000038.6 (MANE Select); coding-DNA position 2046, A replaced by G.
Protein change: p.Gly682=; no amino-acid change (glycine 682 retained).
Molecular consequence: synonymous variant. On other transcripts: non-coding transcript variant (2).
Genome position (GRCh38, 1-based): chr5:112,837,640, A>G. VCF-style: chr5-112837640-A-G. GRCh37 (hg19) VCF-style: chr5-112173337-A-G.
Other names: c.2046A>G, p.Gly682= (NM_001127510.3, NM_001354895.2, NM_001407450.1); c.1992A>G, p.Gly664= (NM_001127511.3); c.2100A>G, p.Gly700= (NM_001354896.2, NM_001407447.1, NM_001407448.1 and 1 more transcripts); c.2076A>G, p.Gly692= (NM_001354897.2); c.1971A>G, p.Gly657= (NM_001354898.2); c.1962A>G, p.Gly654= (NM_001354899.2); c.1923A>G, p.Gly641= (NM_001354900.2); c.1869A>G, p.Gly623= (NM_001354901.2, NM_001407453.1); and 11 more.
Identifiers: ClinVar variation 3148824 (VCV003148824.1), dbSNP rs2149859413, ClinGen allele CA445963359.